The following is an entry in ClinVar:

NM_000026.4(ADSL):c.644A>G (p.Asp215Gly)

Gene: ADSL (adenylosuccinate lyase; plus strand). Cytogenetic location: 22q13.1.
Variant type: single nucleotide variant.
Coding change: c.644A>G on transcript NM_000026.4 (MANE Select); coding-DNA position 644, A replaced by G.
Protein change: p.Asp215Gly; replaces aspartic acid 215 with glycine.
Molecular consequence: missense variant. On other transcripts: non-coding transcript variant (1).
Genome position (GRCh38, 1-based): chr22:40,359,025, A>G. VCF-style: chr22-40359025-A-G. GRCh37 (hg19) VCF-style: chr22-40755029-A-G.
Other names: c.644A>G, p.Asp215Gly (NM_001123378.3, NM_001363840.3); c.452A>G, p.Asp151Gly (NM_001317923.2); short protein forms D151G, D215G.
Identifiers: ClinVar variation 1059074 (VCV001059074.10), dbSNP rs1311483271, ClinGen allele CA411641481.
Genomic context (GRCh38, chr22:40,359,025, plus strand): 5'-TCCGGGGAGTAAAGGGTACCACTGGCACTCAGGCCAGTTTCCTGCAGCTCTTTGAGGGAG[A>G]TGACCATAAGGTATTCTGAAAGTGACCTGCAGGACACAGAAACTCAATGGTGGAGCCTAA-3'
Protein context (NP_000017.1, residues 205-225): QASFLQLFEG[Asp215Gly]DHKVEQLDKM

ClinVar aggregate classification (germline): Uncertain significance (1 of 4 stars; one submission).

Conditions:
Adenylosuccinate lyase deficiency (ADSLD). Also called: ADSL DEFICIENCY. Identifiers: Orphanet 46, MedGen C0268126, MONDO:0007068, OMIM 103050.

Allele frequency attached by ClinVar (database versions not stated): gnomAD exomes below 0.00001; TOPMed 0.00001.

Submissions (2):

Labcorp Genetics (formerly Invitae), Labcorp
Classification: Uncertain significance for Adenylosuccinate lyase deficiency. Last evaluated: 2020-10-20. Review status: criteria provided, single submitter. Criteria: Invitae Variant Classification Sherloc (09022015). Collection method: clinical testing. Allele origin: germline.
Comment: In summary, the available evidence is currently insufficient to determine the role of this variant in disease. Therefore, it has been classified as a Variant of Uncertain Significance. Algorithms developed to predict the effect of sequence changes on RNA splicing suggest that this variant may create or strengthen a splice site, but this prediction has not been confirmed by published transcriptional studies. Algorithms developed to predict the effect of missense changes on protein structure and function (SIFT, PolyPhen-2, Align-GVGD) all suggest that this variant is likely to be disruptive, but these predictions have not been confirmed by published functional studies and their clinical significance is uncertain. This variant has not been reported in the literature in individuals with ADSL-related conditions. This variant is not present in population databases (ExAC no frequency). This sequence change replaces aspartic acid with glycine at codon 215 of the ADSL protein (p.Asp215Gly). The aspartic acid residue is highly conserved and there is a moderate physicochemical difference between aspartic acid and glycine.

Dr. Peter K. Rogan Lab, Western University
No classification provided (evidence only). Condition: Lung cancer. Review status: no classification provided. Collection method: in vitro. Allele origin: not applicable. Functional consequence: retained intron. Not counted in ClinVar's aggregate classification.